The following is an entry in ClinVar:

ClinVar aggregate classification (germline): Uncertain significance (1 of 4 stars; one submission).

Allele frequency attached by ClinVar (database versions not stated): gnomAD exomes below 0.00001; ExAC 0.00001.
gnomAD v4.1: 7 of 1,613,718 alleles (0.00043%); highest among the groups gnomAD compares: Admixed American, 0.0017%; no homozygotes.

Submission:

Labcorp Genetics (formerly Invitae), Labcorp
Classification: Uncertain significance. Last evaluated: 2021-01-12. Review status: criteria provided, single submitter. Criteria: Invitae Variant Classification Sherloc (09022015). Collection method: clinical testing. Allele origin: germline.
Comment: This sequence change creates a premature translational stop signal (p.Arg1352*) in the RIMS1 gene. It is expected to result in an absent or disrupted protein product. However, the current clinical and genetic evidence is not sufficient to establish whether loss-of-function variants in RIMS1 cause disease. In summary, the available evidence is currently insufficient to determine the role of this variant in disease. Therefore, it has been classified as a Variant of Uncertain Significance. This variant has not been reported in the literature in individuals with RIMS1-related conditions. This variant is present in population databases (rs763959819, ExAC 0.009%).

NM_014989.7(RIMS1):c.4054C>T (p.Arg1352Ter)

Gene: RIMS1 (regulating synaptic membrane exocytosis 1; plus strand). Cytogenetic location: 6q13.
Variant type: single nucleotide variant.
Coding change: c.4054C>T on transcript NM_014989.7 (MANE Select); coding-DNA position 4054, C replaced by T.
Protein change: p.Arg1352Ter; replaces arginine 1352 with a stop codon.
Molecular consequence: nonsense. On other transcripts: intron variant (24).
Genome position (GRCh38, 1-based): chr6:72,313,596, C>T. VCF-style: chr6-72313596-C-T. GRCh37 (hg19) VCF-style: chr6-73023299-C-T.
Other names: c.2014C>T, p.Arg672Ter (NM_001168407.2); c.1975C>T, p.Arg659Ter (NM_001350414.2); c.2098C>T, p.Arg700Ter (NM_001350415.2); c.2047C>T, p.Arg683Ter (NM_001350416.2); c.2020C>T, p.Arg674Ter (NM_001350418.2); c.2128C>T, p.Arg710Ter (NM_001350420.2); c.1873C>T, p.Arg625Ter (NM_001350421.2); c.1789C>T, p.Arg597Ter (NM_001350423.2, NM_001350444.2); and 51 more; short protein forms R1352*, R516*, R568*, R625*, R626*, R632*, R652*, R659*.
Identifiers: ClinVar variation 1364324 (VCV001364324.6), dbSNP rs763959819, ClinGen allele CA3886431.